The following is an entry in ClinVar:

NM_001165963.4(SCN1A):c.1852C>T (p.Arg618Cys)

Gene: SCN1A (sodium voltage-gated channel alpha subunit 1; minus strand). Cytogenetic location: 2q24.3.
Variant type: single nucleotide variant.
Coding change: c.1852C>T on transcript NM_001165963.4 (MANE Select); coding-DNA position 1852, C replaced by T.
Protein change: p.Arg618Cys; replaces arginine 618 with cysteine.
Molecular consequence: missense variant. On other transcripts: 5 prime UTR variant (1), non-coding transcript variant (1).
Genome position (GRCh38, 1-based): chr2:166,043,860, G>A on the plus strand (C>T on the coding strand, the complement: SCN1A is on the minus strand). VCF-style: chr2-166043860-G-A. GRCh37 (hg19) VCF-style: chr2-166900370-G-A.
Other names: c.1852C>T, p.Arg618Cys (NM_001165964.3, NM_001202435.3, NM_001353948.2 and 7 more transcripts); c.1849C>T, p.Arg617Cys (NM_001353954.2, NM_001353955.2, NM_001353960.2); c.-574C>T (NM_001353961.2); short protein forms R618C, R617C.
Identifiers: ClinVar variation 220200 (VCV000220200.40), dbSNP rs750516202, ClinGen allele CA348628.
Genomic context (GRCh38, chr2:166,043,860, plus strand): 5'-TCGCTGGAAACACTGCCAGCATCCGGGATGACCTACTGGTCTGACTCAGGTTGCTGTTGC[G>A]TCTCTCTCCGTGTCGTCGGGGCACAAACAAGGAATCTCTACGGCTCTCGTTATCCTCAAA-3'
Protein context (NP_001159435.1, residues 608-628): LFVPRRHGER[Arg618Cys]NSNLSQTSRS

ClinVar aggregate classification (germline): Conflicting classifications of pathogenicity. Review status: criteria provided, conflicting classifications (1 of 4 stars). 5 submissions from 5 submitters: Pathogenic (1); Uncertain significance (4). Last evaluated 2025-11-13.

Conditions:
Early-infantile DEE. Also called: Early infantile epileptic encephalopathy; Early infantile epileptic encephalopathy with suppression bursts; Ohtahara syndrome. Identifiers: Orphanet 1934, MedGen C0393706, MONDO:0800491.
Inborn genetic diseases. Identifiers: MedGen C0950123, MeSH D030342.

Allele frequency attached by ClinVar (database versions not stated): gnomAD exomes below 0.00001 and 0.00001; ExAC 0.00001; gnomAD 0.00001; TOPMed 0.00001.
gnomAD v4.1: 18 of 1,614,044 alleles (0.0011%); highest among the groups gnomAD compares: Non-Finnish European, 0.0015%; no homozygotes.

Submissions (5):

GeneDx
Classification: Uncertain significance. Last evaluated: 2025-11-13. Review status: criteria provided, single submitter. Criteria: GeneDx Variant Classification Process June 2021. Collection method: clinical testing. Allele origin: germline. Affected: yes.
Comment: Observed in the homozygous state in siblings with febrile seizures and focal seizures whose parents were unaffected (PMID: 25795284); In silico analysis supports that this missense variant has a deleterious effect on protein structure/function; This substitution is predicted to be in the cytoplasmic loop between the first and second homologous domains; This variant is associated with the following publications: (PMID: 35571373, 35074891, 39200163, 37006128, 25795284, 35813073, 38715666)

Labcorp Genetics (formerly Invitae), Labcorp
Classification: Pathogenic for Early-infantile DEE. Last evaluated: 2025-06-19. Review status: criteria provided, single submitter. Criteria: Invitae Variant Classification Sherloc (09022015). Collection method: clinical testing. Allele origin: germline.
Comment: This sequence change replaces arginine, which is basic and polar, with cysteine, which is neutral and slightly polar, at codon 618 of the SCN1A protein (p.Arg618Cys). This variant is present in population databases (rs750516202, gnomAD 0.0009%). This missense change has been observed in individuals with generalized epilepsy with febrile seizures plus (PMID: 35571373; internal data). This variant was reported in the homozygous state in two siblings affected with febrile seizures plus focal seizures and in the heterozygous state in the unaffected carrier parents (PMID: 25795284). Although SCN1A-related epilepsy is typically dominant, the authors propose that this variant may cause a recessive form of the disorder. ClinVar contains an entry for this variant (Variation ID: 220200). Invitae Evidence Modeling of protein sequence and biophysical properties (such as structural, functional, and spatial information, amino acid conservation, physicochemical variation, residue mobility, and thermodynamic stability) indicates that this missense variant is expected to disrupt SCN1A protein function with a positive predictive value of 95%. For these reasons, this variant has been classified as Pathogenic.

Blueprint Genetics
Classification: Uncertain significance. Last evaluated: 2024-10-11. Review status: criteria provided, single submitter. Criteria: ACMG Guidelines, 2015. Collection method: clinical testing. Allele origin: germline.

CeGaT Center for Human Genetics Tuebingen
Classification: Uncertain significance. Last evaluated: 2022-09-01. Review status: criteria provided, single submitter. Criteria: CeGaT Center For Human Genetics Tuebingen Variant Classification Criteria Version 2. Collection method: clinical testing. Allele origin: germline. Affected: yes. Observed: 1 variant allele.
Comment: SCN1A: PM2, PP2

Ambry Genetics
Classification: Uncertain significance for Inborn genetic diseases. Last evaluated: 2022-02-28. Review status: criteria provided, single submitter. Criteria: Ambry Variant Classification Scheme 2023. Collection method: clinical testing. Allele origin: germline.

Literature cited by the submitters: PubMed 35571373 (cited by Labcorp Genetics (formerly Invitae), Labcorp); PubMed 25795284 (cited by Labcorp Genetics (formerly Invitae), Labcorp).